The following is an entry in ClinVar:

ClinVar aggregate classification (germline): Likely pathogenic (1 of 4 stars; one submission).

Conditions:
Leber congenital amaurosis 3 (LCA3). Also called: SPATA7-Related Retinitis Pigmentosa. Identifiers: MedGen C1858677, MONDO:0011415, OMIM 604232.

Allele frequency attached by ClinVar (database versions not stated): gnomAD exomes below 0.00001 and 0.00001; ExAC 0.00001; gnomAD 0.00001 and 0.00002; TOPMed 0.00002; 1000 Genomes Project 0.00020.
gnomAD v4.1: 5 of 1,610,688 alleles (0.00031%); highest among the groups gnomAD compares: African/African-American, 0.0067%; no homozygotes.

Submission:

Labcorp Genetics (formerly Invitae), Labcorp
Classification: Likely pathogenic for Leber congenital amaurosis 3. Last evaluated: 2022-07-11. Review status: criteria provided, single submitter. Criteria: Invitae Variant Classification Sherloc (09022015). Collection method: clinical testing. Allele origin: germline.
Comment: Disruption of this splice site has been observed in individual(s) with clinical features of retinal dystrophy (Invitae). In summary, the currently available evidence indicates that the variant is pathogenic, but additional data are needed to prove that conclusively. Therefore, this variant has been classified as Likely Pathogenic. Algorithms developed to predict the effect of sequence changes on RNA splicing suggest that this variant may disrupt the consensus splice site. ClinVar contains an entry for this variant (Variation ID: 941590). This variant is present in population databases (rs554224437, gnomAD 0.01%). This sequence change affects an acceptor splice site in intron 1 of the SPATA7 gene. It is expected to disrupt RNA splicing. Variants that disrupt the donor or acceptor splice site typically lead to a loss of protein function (PMID: 16199547), and loss-of-function variants in SPATA7 are known to be pathogenic (PMID: 19268277, 22334370, 23847139, 26047050, 26261414).

Literature cited by the submitters: PubMed 16199547; PubMed 19268277; PubMed 22334370; PubMed 23847139; PubMed 26047050; PubMed 26261414.

NM_018418.5(SPATA7):c.20-1G>A

Gene: SPATA7 (spermatogenesis associated 7; plus strand). Cytogenetic location: 14q31.3.
Variant type: single nucleotide variant.
Coding change: c.20-1G>A on transcript NM_018418.5 (MANE Select); the canonical splice acceptor site of the intron before coding-DNA position 20, G replaced by A.
Molecular consequence: splice acceptor variant.
Genome position (GRCh38, 1-based): chr14:88,391,380, G>A. VCF-style: chr14-88391380-G-A. GRCh37 (hg19) VCF-style: chr14-88857724-G-A.
Other names: c.20-1G>A (NM_001040428.4).
Identifiers: ClinVar variation 941590 (VCV000941590.8), dbSNP rs554224437, ClinGen allele CA7298352.